The following is an entry in ClinVar:

NM_007325.5(GRIA3):c.1198A>C (p.Asn400His)

Gene: GRIA3 (glutamate ionotropic receptor AMPA type subunit 3; plus strand). Cytogenetic location: Xq25.
Variant type: single nucleotide variant.
Coding change: c.1198A>C on transcript NM_007325.5 (MANE Select); coding-DNA position 1198, A replaced by C.
Protein change: p.Asn400His; replaces asparagine 400 with histidine.
Molecular consequence: missense variant.
Genome position (GRCh38, 1-based): chrX:123,403,424, A>C. VCF-style: chrX-123403424-A-C. GRCh37 (hg19) VCF-style: chrX-122537275-A-C.
Other names: c.1198A>C (NM_000828.4); c.1198A>C, p.Asn400His (NM_000828.5); short protein forms N400H.
Identifiers: ClinVar variation 1488697 (VCV001488697.9), dbSNP rs757958473, ClinGen allele CA10507035.

ClinVar aggregate classification (germline): Conflicting classifications of pathogenicity. Review status: criteria provided, conflicting classifications (1 of 4 stars). 2 submissions from 2 submitters: Uncertain significance (1); Likely benign (1). Last evaluated 2025-04-25.

Conditions:
Inborn genetic diseases. Identifiers: MedGen C0950123, MeSH D030342.

Allele frequency attached by ClinVar (database versions not stated): gnomAD exomes 0.00001 and 0.00007; ExAC 0.00003; TOPMed 0.00004.
gnomAD v4.1: 14 of 1,169,635 alleles (0.0012%); highest among the groups gnomAD compares: Admixed American, 0.03%; no homozygotes.

Submissions (2):

Ambry Genetics
Classification: Likely benign for Inborn genetic diseases. Last evaluated: 2025-04-25. Review status: criteria provided, single submitter. Criteria: Ambry Variant Classification Scheme 2023. Collection method: clinical testing. Allele origin: germline.

Labcorp Genetics (formerly Invitae), Labcorp
Classification: Uncertain significance. Last evaluated: 2024-10-28. Review status: criteria provided, single submitter. Criteria: Invitae Variant Classification Sherloc (09022015). Collection method: clinical testing. Allele origin: germline.
Comment: This sequence change replaces asparagine, which is neutral and polar, with histidine, which is basic and polar, at codon 400 of the GRIA3 protein (p.Asn400His). This variant is present in population databases (rs757958473, gnomAD 0.04%), and has an allele count higher than expected for a pathogenic variant. This variant has not been reported in the literature in individuals affected with GRIA3-related conditions. ClinVar contains an entry for this variant (Variation ID: 1488697). Invitae Evidence Modeling of protein sequence and biophysical properties (such as structural, functional, and spatial information, amino acid conservation, physicochemical variation, residue mobility, and thermodynamic stability) indicates that this missense variant is not expected to disrupt GRIA3 protein function with a negative predictive value of 80%. In summary, the available evidence is currently insufficient to determine the role of this variant in disease. Therefore, it has been classified as a Variant of Uncertain Significance.